The following is an entry in ClinVar:

NM_000051.4(ATM):c.6468_6472dup (p.Met2158fs)

Genes: C11orf65 (chromosome 11 open reading frame 65; minus strand), ATM (ATM serine/threonine kinase; plus strand). Cytogenetic location: 11q22.3.
Variant type: Duplication.
Coding change: c.6468_6472dup on transcript NM_000051.4 (MANE Select); coding-DNA positions 6468 to 6472, 5 bases duplicated (AGAGA; older notation c.6468_6472dupAGAGA).
Protein change: p.Met2158fs; shifts the reading frame from methionine 2158.
Molecular consequence: frameshift variant. On other transcripts: intron variant (2).
Genome position (GRCh38, 1-based): chr11:108,321,316-108,321,320, AGAGA duplicated; duplicating any 5 consecutive bases within chr11:108,321,314-108,321,320 gives the same sequence; the c. name uses the placement nearest the transcript's 3' end. VCF-style (leftmost placement, unchanged base first): chr11-108321313-G-GGAAGA. GRCh37 (hg19) VCF-style: chr11-108192040-G-GGAAGA.
Other names: c.6468_6472dup, p.Met2158fs (NM_001351834.2); c.641-12247_641-12243dup (NM_001330368.2); c.*39-12247_*39-12243dup (NM_001351110.2); short protein forms M2158fs.
Identifiers: ClinVar variation 1074095 (VCV001074095.8), dbSNP rs2136238826, ClinGen allele CA2499220688.
Genomic context (GRCh38, chr11:108,321,313, plus strand): 5'-GAAAACCTCTTCTTTATTTTCAGAGTGTCTTTTCTTTTTTGCTACTAGAGTAAAAGAAGT[G>GGAAGA]GAAGAGATGTGTAAGCGCAGCCTTGAGTCTGTGTATTCGCTCTATCCCACACTTAGCAGG-3'

ClinVar aggregate classification (germline): Pathogenic (1 of 4 stars; one submission).

Conditions:
Ataxia-telangiectasia syndrome (AT). Also called: Ataxia telangiectasia (A-T); ATAXIA-TELANGIECTASIA, COMPLEMENTATION GROUP A; ATAXIA-TELANGIECTASIA, FRESNO VARIANT; Ataxia-telangiectasia; Ataxia-telangiectasia, complementation group E; LOUIS-BAR SYNDROME. Identifiers: Orphanet 100, MedGen C0004135, MONDO:0008840, OMIM 208900.

Submission:

Labcorp Genetics (formerly Invitae), Labcorp
Classification: Pathogenic for Ataxia-telangiectasia syndrome. Last evaluated: 2020-10-15. Review status: criteria provided, single submitter. Criteria: Invitae Variant Classification Sherloc (09022015). Collection method: clinical testing. Allele origin: germline.
Comment: For these reasons, this variant has been classified as Pathogenic. Loss-of-function variants in ATM are known to be pathogenic (PMID: 23807571, 25614872). This variant has not been reported in the literature in individuals with ATM-related conditions. This variant is not present in population databases (ExAC no frequency). This sequence change creates a premature translational stop signal (p.Met2158Lysfs*79) in the ATM gene. It is expected to result in an absent or disrupted protein product.

Literature cited by the submitters: PubMed 23807571; PubMed 25614872.